The following is an entry in ClinVar:

NM_001042492.3(NF1):c.3186A>T (p.Lys1062Asn)

Gene: NF1 (neurofibromin 1; plus strand). Cytogenetic location: 17q11.2.
Variant type: single nucleotide variant.
Coding change: c.3186A>T on transcript NM_001042492.3 (MANE Select); coding-DNA position 3186, A replaced by T.
Protein change: p.Lys1062Asn; replaces lysine 1062 with asparagine.
Molecular consequence: missense variant.
Genome position (GRCh38, 1-based): chr17:31,230,914, A>T. VCF-style: chr17-31230914-A-T. GRCh37 (hg19) VCF-style: chr17-29557932-A-T.
Other names: c.3186A>T, p.Lys1062Asn (NM_000267.4); short protein forms K1062N.
Identifiers: ClinVar variation 3237716 (VCV003237716.1), dbSNP rs2151432524.

ClinVar aggregate classification (germline): Uncertain significance (1 of 4 stars; one submission).

Conditions:
Hereditary cancer-predisposing syndrome. Also called: Neoplastic Syndromes, Hereditary; Tumor predisposition; Hereditary neoplastic syndrome; Hereditary Cancer Syndrome. Identifiers: Orphanet 140162, MedGen C0027672, MeSH D009386, MONDO:0015356.
Cardiovascular phenotype. Identifiers: MedGen CN230736.

Submission:

Ambry Genetics
Classification: Uncertain significance for Cardiovascular phenotype; Hereditary cancer-predisposing syndrome. Last evaluated: 2023-09-14. Review status: criteria provided, single submitter. Criteria: Ambry Variant Classification Scheme 2023. Collection method: clinical testing. Allele origin: germline.
Comment: The p.K1062N variant (also known as c.3186A>T), located in coding exon 24 of the NF1 gene, results from an A to T substitution at nucleotide position 3186. The lysine at codon 1062 is replaced by asparagine, an amino acid with similar properties. This amino acid position is conserved. In addition, this alteration is predicted to be tolerated by in silico analysis. Since supporting evidence is limited at this time, the clinical significance of this alteration remains unclear.